The following is an entry in ClinVar:

NM_006269.2(RP1):c.3083A>G (p.Gln1028Arg)

Gene: RP1 (RP1 axonemal microtubule associated; plus strand). Cytogenetic location: 8q12.1.
Variant type: single nucleotide variant.
Coding change: c.3083A>G on transcript NM_006269.2 (MANE Select); coding-DNA position 3083, A replaced by G.
Protein change: p.Gln1028Arg; replaces glutamine 1028 with arginine.
Molecular consequence: missense variant. On other transcripts: intron variant (1).
Genome position (GRCh38, 1-based): chr8:54,626,965, A>G. VCF-style: chr8-54626965-A-G. GRCh37 (hg19) VCF-style: chr8-55539525-A-G.
Other names: c.787+4677A>G (NM_001375654.1); short protein forms Q1028R.
Identifiers: ClinVar variation 1014816 (VCV001014816.8), dbSNP rs1300386362, ClinGen allele CA370995370.

ClinVar aggregate classification (germline): Uncertain significance (1 of 4 stars; one submission).

Allele frequency attached by ClinVar (database versions not stated): gnomAD exomes below 0.00001 and 0.00001.
gnomAD v4.1: 3 of 1,614,020 alleles (0.00019%); highest among the groups gnomAD compares: Non-Finnish European, 0.00017%; no homozygotes.

Submission:

Labcorp Genetics (formerly Invitae), Labcorp
Classification: Uncertain significance. Last evaluated: 2022-03-19. Review status: criteria provided, single submitter. Criteria: Invitae Variant Classification Sherloc (09022015). Collection method: clinical testing. Allele origin: germline.
Comment: In summary, the available evidence is currently insufficient to determine the role of this variant in disease. Therefore, it has been classified as a Variant of Uncertain Significance. Algorithms developed to predict the effect of missense changes on protein structure and function are either unavailable or do not agree on the potential impact of this missense change (SIFT: "Deleterious"; PolyPhen-2: "Benign"; Align-GVGD: "Class C0"). ClinVar contains an entry for this variant (Variation ID: 1014816). This variant has not been reported in the literature in individuals affected with RP1-related conditions. This variant is present in population databases (no rsID available, gnomAD 0.002%). This sequence change replaces glutamine, which is neutral and polar, with arginine, which is basic and polar, at codon 1028 of the RP1 protein (p.Gln1028Arg).